The following is an entry in ClinVar:

NM_001127649.3(PEX26):c.99G>C (p.Pro33=)

Gene: PEX26 (peroxisomal biogenesis factor 26; plus strand). Cytogenetic location: 22q11.21.
Variant type: single nucleotide variant.
Coding change: c.99G>C on transcript NM_001127649.3 (MANE Select); coding-DNA position 99, G replaced by C.
Protein change: p.Pro33=; no amino-acid change (proline 33 retained).
Molecular consequence: synonymous variant.
Genome position (GRCh38, 1-based): chr22:18,078,475, G>C. VCF-style: chr22-18078475-G-C. GRCh37 (hg19) VCF-style: chr22-18561241-G-C.
Other names: c.99G>C, p.Pro33= (NM_001199319.2, NM_017929.6); c.99G>C (NM_017929.5).
Identifiers: ClinVar variation 499982 (VCV000499982.15), dbSNP rs1284941471, ClinGen allele CA513184925.

ClinVar aggregate classification (germline): Conflicting classifications of pathogenicity. Review status: criteria provided, conflicting classifications (1 of 4 stars). 4 submissions from 4 submitters: Uncertain significance (1); Likely benign (2). 1 of the submissions does not count toward it. Last evaluated 2026-01-20.

Conditions:
PEX26-related disorder. Also called: PEX26-related condition.
Peroxisome biogenesis disorder 7B (PBD7B). Identifiers: Orphanet 44, MedGen C3553951, MONDO:0013939, OMIM 614873.
Peroxisome biogenesis disorder 7A (Zellweger). Also called: Peroxisome biogenesis disorder 7A. Identifiers: Orphanet 912, MedGen C3888385, MONDO:0013938, OMIM 614872.

Submissions (4):

Labcorp Genetics (formerly Invitae), Labcorp
Classification: Likely benign for Peroxisome biogenesis disorder 7A (Zellweger); Peroxisome biogenesis disorder 7B. Last evaluated: 2026-01-20. Review status: criteria provided, single submitter. Criteria: Invitae Variant Classification Sherloc (09022015). Collection method: clinical testing. Allele origin: germline.

Blueprint Genetics
Classification: Likely benign. Last evaluated: 2023-06-19. Review status: criteria provided, single submitter. Criteria: ACMG Guidelines, 2015. Collection method: clinical testing. Allele origin: germline.

Eurofins Ntd Llc (ga)
Classification: Uncertain significance. Last evaluated: 2017-01-16. Review status: criteria provided, single submitter. Criteria: EGL Classification Definitions 2015. Collection method: clinical testing. Allele origin: germline. Observed: 1 variant allele, 1 heterozygote.

PreventionGenetics, part of Exact Sciences
Classification: Likely benign for PEX26-related condition. Last evaluated: 2021-06-01. Review status: no assertion criteria provided. Collection method: clinical testing. Allele origin: germline. Not counted in ClinVar's aggregate classification.
Comment: This variant is classified as likely benign based on ACMG/AMP sequence variant interpretation guidelines (Richards et al. 2015 PMID: 25741868, with internal and published modifications).